The following is an entry in ClinVar:

NM_138713.4(NFAT5):c.4027A>G (p.Met1343Val)

Gene: NFAT5 (nuclear factor of activated T cells 5; plus strand). Cytogenetic location: 16q22.1.
Variant type: single nucleotide variant.
Coding change: c.4027A>G on transcript NM_138713.4 (MANE Select); coding-DNA position 4027, A replaced by G.
Protein change: p.Met1343Val; replaces methionine 1343 with valine.
Molecular consequence: missense variant.
Genome position (GRCh38, 1-based): chr16:69,693,852, A>G. VCF-style: chr16-69693852-A-G. GRCh37 (hg19) VCF-style: chr16-69727755-A-G.
Other names: c.4024A>G, p.Met1342Val (NM_001113178.3); c.3352A>G, p.Met1118Val (NM_001367709.1); c.3973A>G, p.Met1325Val (NM_006599.4); c.3745A>G, p.Met1249Val (NM_138714.4, NM_173214.3, NM_173215.3); short protein forms M1118V, M1249V, M1325V, M1342V, M1343V.
Identifiers: ClinVar variation 1716445 (VCV001716445.5), dbSNP rs2037659667, ClinGen allele CA396514761.
Genomic context (GRCh38, chr16:69,693,852, plus strand): 5'-AACCAGTCAATTTTTCACCAACAAAGTAACATGGCCCCAATGAATCAAGAGCAACAGCCC[A>G]TGCAATTTCAGAGTCAGTCCACAGTTTCCTCACTTCAGAACCCAGGTCCTACCCAGTCGG-3'
Protein context (NP_619727.2, residues 1333-1353): MAPMNQEQQP[Met1343Val]QFQSQSTVSS

ClinVar aggregate classification (germline): Uncertain significance (1 of 4 stars; one submission).

Conditions:
Immunodeficiency. Identifiers: MedGen C0021051, MONDO:0021094, HP:0002721.

Submission:

Labcorp Genetics (formerly Invitae), Labcorp
Classification: Uncertain significance for Immunodeficiency. Last evaluated: 2022-08-14. Review status: criteria provided, single submitter. Criteria: Invitae Variant Classification Sherloc (09022015). Collection method: clinical testing. Allele origin: germline.
Comment: This variant is not present in population databases (gnomAD no frequency). This variant has not been reported in the literature in individuals affected with NFAT5-related conditions. Algorithms developed to predict the effect of missense changes on protein structure and function (SIFT, PolyPhen-2, Align-GVGD) all suggest that this variant is likely to be tolerated. In summary, the available evidence is currently insufficient to determine the role of this variant in disease. Therefore, it has been classified as a Variant of Uncertain Significance. This sequence change replaces methionine, which is neutral and non-polar, with valine, which is neutral and non-polar, at codon 1249 of the NFAT5 protein (p.Met1249Val).